The following is an entry in ClinVar:

NM_000489.6(ATRX):c.7364A>G (p.Asp2455Gly)

Gene: ATRX (ATRX chromatin remodeler; minus strand). Cytogenetic location: Xq21.1.
Variant type: single nucleotide variant.
Coding change: c.7364A>G on transcript NM_000489.6 (MANE Select); coding-DNA position 7364, A replaced by G.
Protein change: p.Asp2455Gly; replaces aspartic acid 2455 with glycine.
Molecular consequence: missense variant.
Genome position (GRCh38, 1-based): chrX:77,508,466, T>C on the plus strand (A>G on the coding strand, the complement: ATRX is on the minus strand). VCF-style: chrX-77508466-T-C. GRCh37 (hg19) VCF-style: chrX-76763944-T-C.
Other names: c.7250A>G, p.Asp2417Gly (NM_138270.5); short protein forms D2455G, D2417G.
Identifiers: ClinVar variation 4055956 (VCV004055956.1).

ClinVar aggregate classification (germline): Uncertain significance (1 of 4 stars; one submission).

Submission:

GeneDx
Classification: Uncertain significance. Last evaluated: 2025-01-02. Review status: criteria provided, single submitter. Criteria: GeneDx Variant Classification Process June 2021. Collection method: clinical testing. Allele origin: germline. Affected: yes.
Comment: Has not been previously published as pathogenic or benign to our knowledge; In silico analysis indicates that this missense variant does not alter protein structure/function; Not observed at significant frequency in large population cohorts (gnomAD)